The following is an entry in ClinVar:

ClinVar aggregate classification (germline): Uncertain significance (1 of 4 stars; one submission).

Submission:

GeneDx
Classification: Uncertain significance. Last evaluated: 2024-10-08. Review status: criteria provided, single submitter. Criteria: GeneDx Variant Classification Process June 2021. Collection method: clinical testing. Allele origin: germline. Affected: yes.
Comment: Not observed at significant frequency in large population cohorts (gnomAD); In silico analysis supports that this missense variant has a deleterious effect on protein structure/function; This variant is associated with the following publications: (PMID: 27835667)

NM_001009944.3(PKD1):c.6101G>A (p.Gly2034Glu)

Gene: PKD1 (polycystin 1, transient receptor potential channel interacting; minus strand). Cytogenetic location: 16p13.3.
Variant type: single nucleotide variant.
Coding change: c.6101G>A on transcript NM_001009944.3 (MANE Select); coding-DNA position 6101, G replaced by A.
Protein change: p.Gly2034Glu; replaces glycine 2034 with glutamic acid.
Molecular consequence: missense variant.
Genome position (GRCh38, 1-based): chr16:2,109,066, C>T on the plus strand (G>A on the coding strand, the complement: PKD1 is on the minus strand). VCF-style: chr16-2109066-C-T. GRCh37 (hg19) VCF-style: chr16-2159067-C-T.
Other names: c.6101G>A, p.Gly2034Glu (NM_000296.4); short protein forms G2034E.
Identifiers: ClinVar variation 3777303 (VCV003777303.1).
Genomic context (GRCh38, chr16:2,109,066, plus strand): 5'-ACCAGCGTGCGGTTCTCACTGCCCAGGGCGTTGAAGGCGCGCACCTGGATCTCCAACAGC[C>T]CCGCGGCCACGGGCGTGTAGGTGACGTCGCGGCCCGACAGGATGACCAGCGAGTCGCCCT-3'
Protein context (NP_001009944.3, residues 2024-2044): RDVTYTPVAA[Gly2034Glu]LLEIQVRAFN